The following is an entry in ClinVar:

ClinVar aggregate classification (germline): Uncertain significance (1 of 4 stars; one submission).

Submission:

Labcorp Genetics (formerly Invitae), Labcorp
Classification: Uncertain significance. Last evaluated: 2022-07-06. Review status: criteria provided, single submitter. Criteria: Invitae Variant Classification Sherloc (09022015). Collection method: clinical testing. Allele origin: germline.
Comment: Algorithms developed to predict the effect of missense changes on protein structure and function output the following: SIFT: "Tolerated"; PolyPhen-2: "Benign"; Align-GVGD: "Class C0". The leucine amino acid residue is found in multiple mammalian species, which suggests that this missense change does not adversely affect protein function. In summary, the available evidence is currently insufficient to determine the role of this variant in disease. Therefore, it has been classified as a Variant of Uncertain Significance. ClinVar contains an entry for this variant (Variation ID: 1487553). This missense change has been observed in individual(s) with clinical features of retinitis pigmentosa (Invitae). This variant is not present in population databases (gnomAD no frequency). This sequence change replaces isoleucine, which is neutral and non-polar, with leucine, which is neutral and non-polar, at codon 1731 of the RP1 protein (p.Ile1731Leu).

NM_006269.2(RP1):c.5191A>C (p.Ile1731Leu)

Genes: RP1 (RP1 axonemal microtubule associated; plus strand), LOC126860392 (CDK7 strongly-dependent group 2 enhancer GRCh37_chr8:55541319-55542518; plus strand). Cytogenetic location: 8q12.1.
Variant type: single nucleotide variant.
Coding change: c.5191A>C on transcript NM_006269.2 (MANE Select); coding-DNA position 5191, A replaced by C.
Protein change: p.Ile1731Leu; replaces isoleucine 1731 with leucine.
Molecular consequence: missense variant. On other transcripts: intron variant (1).
Genome position (GRCh38, 1-based): chr8:54,629,073, A>C. VCF-style: chr8-54629073-A-C. GRCh37 (hg19) VCF-style: chr8-55541633-A-C.
Other names: c.787+6785A>C (NM_001375654.1); short protein forms I1731L.
Identifiers: ClinVar variation 1487553 (VCV001487553.6), dbSNP rs2129318057, ClinGen allele CA370985061.